The following is an entry in ClinVar:

NM_005548.3(KARS1):c.330A>G (p.Gln110=)

Gene: KARS1 (lysyl-tRNA synthetase 1; minus strand). Cytogenetic location: 16q23.1.
Variant type: single nucleotide variant.
Coding change: c.330A>G on transcript NM_005548.3 (MANE Select); coding-DNA position 330, A replaced by G.
Protein change: p.Gln110=; no amino-acid change (glutamine 110 retained).
Molecular consequence: synonymous variant. On other transcripts: 5 prime UTR variant (1).
Genome position (GRCh38, 1-based): chr16:75,640,242, T>C on the plus strand (A>G on the coding strand, the complement: KARS1 is on the minus strand). VCF-style: chr16-75640242-T-C. GRCh37 (hg19) VCF-style: chr16-75674140-T-C.
Other names: c.414A>G, p.Gln138= (NM_001130089.2); c.-139A>G (NM_001378148.1).
Identifiers: ClinVar variation 668432 (VCV000668432.46), dbSNP rs765149002, ClinGen allele CA8177672.
Genomic context (GRCh38, chr16:75,640,242, plus strand): 5'-ACCTGCCACCTTTAAGGTGATGTCAGTCAGGTGATCCCCAGGCTGCAGGTGACTATATTT[T>C]TGGATGAAGTCAGTGAGTGAGATGTCTACATGGAACTTGTGTGGGTATGGGTCTTCCCCA-3'
Protein context (NP_005539.1, residues 100-120): HVDISLTDFI[Gln110=]KYSHLQPGDH

ClinVar aggregate classification (germline): Likely benign. Review status: criteria provided, multiple submitters, no conflicts (2 of 4 stars). 4 submissions from 4 submitters: Likely benign (3). 1 of the submissions does not count toward it. Last evaluated 2025-12-30.

Conditions:
KARS1-related disorder. Also called: KARS1-related disorders.

Allele frequency attached by ClinVar (database versions not stated): gnomAD 0.00006; gnomAD exomes 0.00007 and 0.00026; TOPMed 0.00007; ExAC 0.00016.
gnomAD v4.1: 105 of 1,613,898 alleles (0.0065%); highest among the groups gnomAD compares: Admixed American, 0.12%; no homozygotes.

Submissions (4):

Labcorp Genetics (formerly Invitae), Labcorp
Classification: Likely benign. Last evaluated: 2025-12-30. Review status: criteria provided, single submitter. Criteria: Invitae Variant Classification Sherloc (09022015). Collection method: clinical testing. Allele origin: germline.

CeGaT Center for Human Genetics Tuebingen
Classification: Likely benign. Last evaluated: 2022-06-01. Review status: criteria provided, single submitter. Criteria: CeGaT Center For Human Genetics Tuebingen Variant Classification Criteria Version 2. Collection method: clinical testing. Allele origin: germline. Affected: yes. Observed: 2 variant alleles.
Comment: KARS1: BP4, BP7

GeneDx
Classification: Likely benign. Last evaluated: 2021-03-24. Review status: criteria provided, single submitter. Criteria: GeneDx Variant Classification Process June 2021. Collection method: clinical testing. Allele origin: germline. Affected: yes.

PreventionGenetics, part of Exact Sciences
Classification: Likely benign for KARS1-related condition. Last evaluated: 2023-04-26. Review status: no assertion criteria provided. Collection method: clinical testing. Allele origin: germline. Not counted in ClinVar's aggregate classification.
Comment: This variant is classified as likely benign based on ACMG/AMP sequence variant interpretation guidelines (Richards et al. 2015 PMID: 25741868, with internal and published modifications).